The following is an entry in ClinVar:

ClinVar aggregate classification (germline): Uncertain significance (1 of 4 stars; one submission).

Conditions:
Cranioectodermal dysplasia 1 (CED1). Also called: LEVIN SYNDROME I. Identifiers: Orphanet 1515, MedGen C0432235, MONDO:0021093, OMIM 218330.

Submission:

Genomic Medicine Center of Excellence, King Faisal Specialist Hospital and Research Centre
Classification: Uncertain significance for Cranioectodermal dysplasia 1. Last evaluated: 2024-10-13. Review status: criteria provided, single submitter. Criteria: ACMG Guidelines, 2015. Collection method: clinical testing. Allele origin: germline.
Comment: This variant (GRCh37; Chr3 ;g.129195339C>A) results in a missense mutation with the conversion of Serine (Polar amino acid) to Tyrosine (Polar amino acid) in the IFT122 protein. Not observed at significant frequency in large population cohorts (gnomAD). This variant has a strong Conservation score. Multiple lines of computational evidence support a deleterious effect on the gene or gene product for this variant. To our knowledge this variant not been previously curated or reported in public Database. A literature search was performed for the gene and associated variants. Based on this search no publications were found. To our knowledge, no experimental evidence demonstrating an impact on protein function has been reported. Based on conflicting evidence or insufficient data to determine whether the variant is benign or pathogenic, the clinical significance of this alteration remains unclear. In summary, this variant meets our criteria for classification as of Unknown Clinical Significance based on the evidence outlined.

NM_052989.3(IFT122):c.998C>A (p.Ser333Tyr)

Gene: IFT122 (intraflagellar transport 122; plus strand). Cytogenetic location: 3q21.3.
Variant type: single nucleotide variant.
Coding change: c.998C>A on transcript NM_052989.3 (MANE Select); coding-DNA position 998, C replaced by A.
Protein change: p.Ser333Tyr; replaces serine 333 with tyrosine.
Molecular consequence: missense variant.
Genome position (GRCh38, 1-based): chr3:129,476,496, C>A. VCF-style: chr3-129476496-C-A. GRCh37 (hg19) VCF-style: chr3-129195339-C-A.
Other names: c.974C>A, p.Ser325Tyr (NM_001280541.2); c.548C>A, p.Ser183Tyr (NM_001280545.2); c.371C>A, p.Ser124Tyr (NM_001280546.2); c.998C>A, p.Ser333Tyr (NM_001410808.1, NM_001410809.1); c.821C>A, p.Ser274Tyr (NM_001410810.1, NM_001410811.1, NM_001410813.1 and 1 more transcripts); c.665C>A, p.Ser222Tyr (NM_001410815.1, NM_001410817.1, NM_052990.3); c.1151C>A, p.Ser384Tyr (NM_052985.4); short protein forms S124Y, S183Y, S222Y, S274Y, S325Y, S333Y, S384Y.
Identifiers: ClinVar variation 3363126 (VCV003363126.1).